The following is an entry in ClinVar:

ClinVar aggregate classification (germline): Uncertain significance (1 of 4 stars; one submission).

Conditions:
Kleefstra syndrome 1 (KLEFS1). Identifiers: Orphanet 261494, MedGen C0795833, MONDO:0027407, OMIM 610253.

Allele frequency attached by ClinVar (database versions not stated): TOPMed 0.00001.
gnomAD v4.1: 1 of 1,611,500 alleles (0.000062%); no homozygotes.

Submission:

Labcorp Genetics (formerly Invitae), Labcorp
Classification: Uncertain significance for Kleefstra syndrome 1. Last evaluated: 2023-07-19. Review status: criteria provided, single submitter. Criteria: Invitae Variant Classification Sherloc (09022015). Collection method: clinical testing. Allele origin: germline.
Comment: This sequence change replaces cysteine, which is neutral and slightly polar, with arginine, which is basic and polar, at codon 58 of the EHMT1 protein (p.Cys58Arg). This variant is not present in population databases (gnomAD no frequency). This variant has not been reported in the literature in individuals affected with EHMT1-related conditions. An algorithm developed to predict the effect of missense changes on protein structure and function (PolyPhen-2) suggests that this variant is likely to be disruptive. In summary, the available evidence is currently insufficient to determine the role of this variant in disease. Therefore, it has been classified as a Variant of Uncertain Significance.

NM_024757.5(EHMT1):c.172T>C (p.Cys58Arg)

Gene: EHMT1 (euchromatic histone lysine methyltransferase 1; plus strand). Cytogenetic location: 9q34.3.
Variant type: single nucleotide variant.
Coding change: c.172T>C on transcript NM_024757.5 (MANE Select); coding-DNA position 172, T replaced by C.
Protein change: p.Cys58Arg; replaces cysteine 58 with arginine.
Molecular consequence: missense variant.
Genome position (GRCh38, 1-based): chr9:137,716,712, T>C. VCF-style: chr9-137716712-T-C. GRCh37 (hg19) VCF-style: chr9-140611164-T-C.
Other names: c.172T>C, p.Cys58Arg (NM_001145527.2, NM_001354263.2, NM_001354611.2); c.79T>C, p.Cys27Arg (NM_001354259.2, NM_001354612.2); short protein forms C27R, C58R.
Identifiers: ClinVar variation 2744901 (VCV002744901.3), dbSNP rs1945346257, ClinGen allele CA375762795.